The following is an entry in ClinVar:

NM_138367.2(ZNF251):c.144T>C (p.Tyr48=)

Gene: ZNF251 (zinc finger protein 251; minus strand). Cytogenetic location: 8q24.3.
Variant type: single nucleotide variant.
Coding change: c.144T>C on transcript NM_138367.2 (MANE Select); coding-DNA position 144, T replaced by C.
Protein change: p.Tyr48=; no amino-acid change (tyrosine 48 retained).
Molecular consequence: synonymous variant.
Genome position (GRCh38, 1-based): chr8:144,754,211, A>G on the plus strand (T>C on the coding strand, the complement: ZNF251 is on the minus strand). VCF-style: chr8-144754211-A-G. GRCh37 (hg19) VCF-style: chr8-145979596-A-G.
Identifiers: ClinVar variation 2659000 (VCV002659000.24), dbSNP rs2537364035, ClinGen allele CA463457864.

ClinVar aggregate classification (germline): Likely benign (1 of 4 stars; one submission).

Allele frequency attached by ClinVar (database versions not stated): gnomAD exomes below 0.00001.
gnomAD v4.1: 1 of 1,613,968 alleles (0.000062%); highest among the groups gnomAD compares: Non-Finnish European, 0.000085%; no homozygotes.

Submission:

CeGaT Center for Human Genetics Tuebingen
Classification: Likely benign. Last evaluated: 2022-09-01. Review status: criteria provided, single submitter. Criteria: CeGaT Center For Human Genetics Tuebingen Variant Classification Criteria Version 2. Collection method: clinical testing. Allele origin: germline. Affected: yes. Observed: 1 variant allele.
Comment: ZNF251: PM2:Supporting, BP4, BP7